The following is an entry in ClinVar:

ClinVar aggregate classification (germline): Uncertain significance (1 of 4 stars; one submission).

Submission:

GeneDx
Classification: Uncertain significance. Last evaluated: 2025-02-03. Review status: criteria provided, single submitter. Criteria: GeneDx Variant Classification Process June 2021. Collection method: clinical testing. Allele origin: germline. Affected: yes.
Comment: Not observed at significant frequency in large population cohorts (gnomAD); In silico analysis supports that this missense variant has a deleterious effect on protein structure/function; Has not been previously published as pathogenic or benign to our knowledge

NM_017646.6(TRIT1):c.554T>G (p.Val185Gly)

Gene: TRIT1 (tRNA isopentenyltransferase 1; minus strand). Cytogenetic location: 1p34.2.
Variant type: single nucleotide variant.
Coding change: c.554T>G on transcript NM_017646.6 (MANE Select); coding-DNA position 554, T replaced by G.
Protein change: p.Val185Gly; replaces valine 185 with glycine.
Molecular consequence: missense variant.
Genome position (GRCh38, 1-based): chr1:39,852,737, A>C on the plus strand (T>G on the coding strand, the complement: TRIT1 is on the minus strand). VCF-style: chr1-39852737-A-C. GRCh37 (hg19) VCF-style: chr1-40318409-A-C.
Other names: c.554T>G, p.Val185Gly (NM_001312691.2); c.314T>G, p.Val105Gly (NM_001312692.2); short protein forms V105G, V185G.
Identifiers: ClinVar variation 4072717 (VCV004072717.1).